The following is an entry in ClinVar:

NM_003923.3(FOXH1):c.40G>A (p.Ala14Thr)

Gene: FOXH1 (forkhead box H1; minus strand). Cytogenetic location: 8q24.3.
Variant type: single nucleotide variant.
Coding change: c.40G>A on transcript NM_003923.3 (MANE Select); coding-DNA position 40, G replaced by A.
Protein change: p.Ala14Thr; replaces alanine 14 with threonine.
Molecular consequence: missense variant.
Genome position (GRCh38, 1-based): chr8:144,475,717, C>T on the plus strand (G>A on the coding strand, the complement: FOXH1 is on the minus strand). VCF-style: chr8-144475717-C-T. GRCh37 (hg19) VCF-style: chr8-145701100-C-T.
Other names: short protein forms A14T.
Identifiers: ClinVar variation 1437505 (VCV001437505.8), dbSNP rs1007629465, ClinGen allele CA187726015.
Genomic context (GRCh38, chr8:144,475,717, plus strand): 5'-GCTTGTCATGTCGCAGGTACCTCTTCTTCCTCCTCTTAGGGGGCTGGGAGGGCGACTCTG[C>T]CTCTGGGGGCCCCAGGCGGGAGCCGCTGCAGGGCCCCATGCGGGACGGTAGACAGCGTGG-3'
Protein context (NP_003914.1, residues 4-24): CSGSRLGPPE[Ala14Thr]ESPSQPPKRR

ClinVar aggregate classification (germline): Uncertain significance (1 of 4 stars; one submission).

Conditions:
Holoprosencephaly sequence (HPE). Also called: Holoprosencephaly. Identifiers: Orphanet 2162, MedGen C0079541, MONDO:0016296, HP:0001360.

Allele frequency attached by ClinVar (database versions not stated): gnomAD exomes 0.00001; gnomAD 0.00005; TOPMed 0.00005.

Submission:

Labcorp Genetics (formerly Invitae), Labcorp
Classification: Uncertain significance for Holoprosencephaly sequence. Last evaluated: 2021-03-25. Review status: criteria provided, single submitter. Criteria: Invitae Variant Classification Sherloc (09022015). Collection method: clinical testing. Allele origin: germline.
Comment: This sequence change replaces alanine with threonine at codon 14 of the FOXH1 protein (p.Ala14Thr). The alanine residue is weakly conserved and there is a small physicochemical difference between alanine and threonine. The frequency data for this variant in the population databases is considered unreliable, as metrics indicate insufficient coverage at this position in the ExAC database. This variant has not been reported in the literature in individuals with FOXH1-related conditions. Algorithms developed to predict the effect of missense changes on protein structure and function (SIFT, PolyPhen-2, Align-GVGD) all suggest that this variant is likely to be tolerated, but these predictions have not been confirmed by published functional studies and their clinical significance is uncertain. In summary, the available evidence is currently insufficient to determine the role of this variant in disease. Therefore, it has been classified as a Variant of Uncertain Significance.